The following is an entry in ClinVar:

ClinVar aggregate classification (germline): Pathogenic. Review status: criteria provided, multiple submitters, no conflicts (2 of 4 stars). 2 submissions from 2 submitters: Pathogenic (2). Last evaluated 2018-02-15.

Conditions:
Hereditary cancer-predisposing syndrome. Also called: Tumor predisposition; Hereditary Cancer Syndrome; Neoplastic Syndromes, Hereditary; Hereditary neoplastic syndrome. Identifiers: Orphanet 140162, MedGen C0027672, MeSH D009386, MONDO:0015356.
Lynch syndrome 5 (LYNCH5). Also called: Hereditary non-polyposis colorectal cancer, type 5; Colorectal cancer, hereditary nonpolyposis, type 5. Identifiers: Orphanet 144, MedGen C1833477, MONDO:0013710, OMIM 614350. Disease mechanism: loss of function.

Submissions (2):

Ambry Genetics
Classification: Pathogenic for Hereditary cancer-predisposing syndrome. Last evaluated: 2018-02-15. Review status: criteria provided, single submitter. Criteria: Ambry Variant Classification Scheme 2023. Collection method: clinical testing. Allele origin: germline.
Comment: The c.3475dupT pathogenic mutation, located in coding exon 6 of the MSH6 gene, results from a duplication of T at nucleotide position 3475, causing a translational frameshift with a predicted alternate stop codon (p.Y1159Lfs*5). This alteration is expected to result in loss of function by premature protein truncation or nonsense-mediated mRNA decay. As such, this alteration is interpreted as a disease-causing mutation.

Juno Genomics, Hangzhou Juno Genomics, Inc
Classification: Pathogenic for Lynch syndrome 5. Review status: criteria provided, single submitter. Criteria: ACMG Guidelines, 2015. Collection method: clinical testing. Allele origin: germline.
Comment: Absent from controls (or at extremely low frequency if recessive) in Genome Aggregation Database.;Null variant in a gene where loss of function (LOF) is a known mechanism of disease.;Patient's phenotype or family history is highly specific for a disease with a single genetic etiology.

Literature cited by the submitters: PubMed 25712738 (cited by Ambry Genetics).

NM_000179.3(MSH6):c.3475dup (p.Tyr1159fs)

Gene: MSH6 (mutS homolog 6; plus strand). Cytogenetic location: 2p16.3.
Variant type: Duplication.
Coding change: c.3475dup on transcript NM_000179.3 (MANE Select); coding-DNA position 3475, one base duplicated (T; older notation c.3475dupT).
Protein change: p.Tyr1159fs; shifts the reading frame from tyrosine 1159.
Molecular consequence: frameshift variant.
Genome position (GRCh38, 1-based): chr2:47,804,946, T duplicated; the last of 2 consecutive T bases (chr2:47,804,945-47,804,946); duplicating either gives the same sequence. VCF-style (leftmost placement, unchanged base first): chr2-47804944-G-GT. GRCh37 (hg19) VCF-style: chr2-48032083-G-GT.
Other names: c.3475dupT (NM_000179.2); c.3085dup, p.Tyr1029fs (NM_001281492.2); c.2569dup, p.Tyr857fs (NM_001281493.2, NM_001281494.2); c.3571dup, p.Tyr1191Leufs (NM_001406795.1, NM_001406802.1); c.3475dup, p.Tyr1159Leufs (NM_001406796.1, NM_001406800.1, NM_001406808.1 and 1 more transcripts); c.3178dup, p.Tyr1060Leufs (NM_001406797.1, NM_001406801.1, NM_001406805.1 and 10 more transcripts); c.3301dup, p.Tyr1101Leufs (NM_001406798.1); c.2950dup, p.Tyr984Leufs (NM_001406799.1, NM_001406806.1, NM_001406807.1); and 9 more; short protein forms Y1029fs, Y1159fs, Y857fs.
Identifiers: ClinVar variation 1731773 (VCV001731773.4), dbSNP rs1572738533, ClinGen allele CA2580067152.